The following is an entry in ClinVar:

ClinVar aggregate classification (germline): Uncertain significance. Review status: criteria provided, multiple submitters, no conflicts (2 of 4 stars). 3 submissions from 3 submitters: Uncertain significance (3). Last evaluated 2026-01-13.

Conditions:
Type 1 diabetes mellitus 20 (T1D20). Also called: Diabetes mellitus, insulin-dependent, 20. Identifiers: MedGen C2675866, MONDO:0012919, OMIM 612520.
Diabetes mellitus type 1 (T1D). Also called: Type I diabetes mellitus; Diabetes Mellitus, Juvenile-Onset. Identifiers: MedGen C0011854, MONDO:0005147, OMIM 222100, HP:0100651.
Maturity-onset diabetes of the young type 3. Also called: MODY, type III; MODY type 3. Identifiers: Orphanet 552, MedGen C1838100, MeSH C563933, MONDO:0010894, OMIM 600496. Disease mechanism: loss of function.
Type 2 diabetes mellitus. Also called: Type II diabetes mellitus. Identifiers: MedGen C0011860, MeSH D003924, MONDO:0005148, OMIM 125853, HP:0005978.
Hepatic adenomas, familial. Also called: HEPATIC ADENOMA, SOMATIC; LIVER CELL ADENOMAS, FAMILIAL. Identifiers: MedGen C1840646, MONDO:0007718, OMIM 142330.
Nonpapillary renal cell carcinoma. Identifiers: Orphanet 422526, MedGen CN074294, MONDO:0007763, OMIM 144700.

Allele frequency attached by ClinVar (database versions not stated): gnomAD exomes 0.00001 and 0.00004; ExAC 0.00005; TOPMed 0.00011; gnomAD 0.00017 and 0.00018; ESP Exome Variant Server 0.00038.
gnomAD v4.1: 43 of 1,614,012 alleles (0.0027%); highest among the groups gnomAD compares: African/African-American, 0.052%; no homozygotes.

Submissions (3):

Labcorp Genetics (formerly Invitae), Labcorp
Classification: Uncertain significance. Last evaluated: 2026-01-13. Review status: criteria provided, single submitter. Criteria: Invitae Variant Classification Sherloc (09022015). Collection method: clinical testing. Allele origin: germline.
Comment: This sequence change replaces glutamine, which is neutral and polar, with arginine, which is basic and polar, at codon 175 of the HNF1A protein (p.Gln175Arg). This variant is present in population databases (rs147400498, gnomAD 0.03%). This variant has not been reported in the literature in individuals affected with HNF1A-related conditions. ClinVar contains an entry for this variant (Variation ID: 1390735). An algorithm developed to predict the effect of missense changes on protein structure and function (PolyPhen-2) suggests that this variant is likely to be tolerated. In summary, the available evidence is currently insufficient to determine the role of this variant in disease. Therefore, it has been classified as a Variant of Uncertain Significance.

Fulgent Genetics
Classification: Uncertain significance for Type 2 diabetes mellitus; Hepatic adenomas, familial; Nonpapillary renal cell carcinoma; Diabetes mellitus type 1; Maturity-onset diabetes of the young type 3; Type 1 diabetes mellitus 20. Last evaluated: 2022-04-19. Review status: criteria provided, single submitter. Criteria: ACMG Guidelines, 2015. Collection method: clinical testing. Allele origin: unknown.

Breakthrough Genomics
Classification: Uncertain significance. Review status: criteria provided, single submitter. Criteria: ACMG Guidelines, 2015. Collection method: not provided. Allele origin: germline. Inheritance: Autosomal recessive inheritance. Affected: yes.

NM_000545.8(HNF1A):c.524A>G (p.Gln175Arg)

Gene: HNF1A (HNF1 homeobox A; plus strand). Cytogenetic location: 12q24.31.
Variant type: single nucleotide variant.
Coding change: c.524A>G on transcript NM_000545.8 (MANE Select); coding-DNA position 524, A replaced by G.
Protein change: p.Gln175Arg; replaces glutamine 175 with arginine.
Molecular consequence: missense variant.
Genome position (GRCh38, 1-based): chr12:120,989,030, A>G. VCF-style: chr12-120989030-A-G. GRCh37 (hg19) VCF-style: chr12-121426833-A-G.
Other names: c.524A>G, p.Gln175Arg (NM_001306179.2); short protein forms Q175R.
Identifiers: ClinVar variation 1390735 (VCV001390735.8), dbSNP rs147400498, ClinGen allele CA6831768.